The following is an entry in ClinVar:

ClinVar aggregate classification (germline): Uncertain significance (1 of 4 stars; one submission).

Conditions:
Hereditary sensory and autonomic neuropathy type 6. Also called: Neuropathy, hereditary sensory and autonomic, type VI; HSAN VI. Identifiers: Orphanet 314381, MedGen C3539003, MONDO:0013839, OMIM 614653.
Epidermolysis bullosa simplex 3, localized or generalized intermediate, with BP230 deficiency (EBS3). Also called: Epidermolysis bullosa simplex, autosomal recessive 2; Epidermolysis bullosa simplex due to BP230 deficiency. Identifiers: Orphanet 412181, MedGen C3809470, MONDO:0014180, OMIM 615425.

Allele frequency attached by ClinVar (database versions not stated): gnomAD exomes below 0.00001.
gnomAD v4.1: 1 of 1,612,386 alleles (0.000062%); highest among the groups gnomAD compares: Non-Finnish European, 0.000085%; no homozygotes.

Submission:

Labcorp Genetics (formerly Invitae), Labcorp
Classification: Uncertain significance for Epidermolysis bullosa simplex 3, localized or generalized intermediate, with BP230 deficiency; Hereditary sensory and autonomic neuropathy type 6. Last evaluated: 2022-06-13. Review status: criteria provided, single submitter. Criteria: Invitae Variant Classification Sherloc (09022015). Collection method: clinical testing. Allele origin: germline.
Comment: The DST gene has multiple clinically relevant transcripts. This variant occurs in alternate transcript NM_015548.4, and corresponds to NM_001723.5:c.*128289A>G in the primary transcript. This sequence change replaces threonine, which is neutral and polar, with alanine, which is neutral and non-polar, at codon 4352 of the DST protein (p.Thr4352Ala). This variant is not present in population databases (gnomAD no frequency). This variant has not been reported in the literature in individuals affected with DST-related conditions. Experimental studies and prediction algorithms are not available or were not evaluated, and the functional significance of this variant is currently unknown. In summary, the available evidence is currently insufficient to determine the role of this variant in disease. Therefore, it has been classified as a Variant of Uncertain Significance.

NM_001374736.1(DST):c.20923A>G (p.Thr6975Ala)

Gene: DST (dystonin; minus strand). Cytogenetic location: 6p12.1.
Variant type: single nucleotide variant.
Coding change: c.20923A>G on transcript NM_001374736.1 (MANE Select); coding-DNA position 20923, A replaced by G.
Protein change: p.Thr6975Ala; replaces threonine 6975 with alanine.
Molecular consequence: missense variant.
Genome position (GRCh38, 1-based): chr6:56,487,228, T>C on the plus strand (A>G on the coding strand, the complement: DST is on the minus strand). VCF-style: chr6-56487228-T-C. GRCh37 (hg19) VCF-style: chr6-56352026-T-C.
Other names: c.14566A>G, p.Thr4856Ala (NM_001144769.5); c.14152A>G, p.Thr4718Ala (NM_001144770.2); c.20923A>G, p.Thr6975Ala (NM_001374722.1); c.19963A>G, p.Thr6655Ala (NM_001374729.1); c.13705A>G, p.Thr4569Ala (NM_001374730.1); c.20950A>G, p.Thr6984Ala (NM_001374734.1); c.14032A>G, p.Thr4678Ala (NM_001386100.1, NM_183380.4); c.13054A>G, p.Thr4352Ala (NM_015548.5); short protein forms T6655A, T4569A, T4678A, T6975A, T6984A, T4856A, T4352A, T4718A.
Identifiers: ClinVar variation 1039946 (VCV001039946.9), dbSNP rs2095598634, ClinGen allele CA364513319.